The following is an entry in ClinVar:

NM_020964.3(EPG5):c.3113G>A (p.Cys1038Tyr)

Gene: EPG5 (ectopic P-granules 5 autophagy tethering factor; minus strand). Cytogenetic location: 18q21.1.
Variant type: single nucleotide variant.
Coding change: c.3113G>A on transcript NM_020964.3 (MANE Select); coding-DNA position 3113, G replaced by A.
Protein change: p.Cys1038Tyr; replaces cysteine 1038 with tyrosine.
Molecular consequence: missense variant.
Genome position (GRCh38, 1-based): chr18:45,917,805, C>T on the plus strand (G>A on the coding strand, the complement: EPG5 is on the minus strand). VCF-style: chr18-45917805-C-T. GRCh37 (hg19) VCF-style: chr18-43497770-C-T.
Other names: short protein forms C1038Y.
Identifiers: ClinVar variation 845352 (VCV000845352.8), dbSNP rs2050066834, ClinGen allele CA402343755.

ClinVar aggregate classification (germline): Uncertain significance (1 of 4 stars; one submission).

Conditions:
Vici syndrome (VICIS). Identifiers: Orphanet 1493, MedGen C1855772, MONDO:0009452, OMIM 242840.

gnomAD v4.1: 2 of 1,614,104 alleles (0.00012%); highest among the groups gnomAD compares: Non-Finnish European, 0.00017%; no homozygotes.

Submission:

Labcorp Genetics (formerly Invitae), Labcorp
Classification: Uncertain significance for Vici syndrome. Last evaluated: 2021-08-31. Review status: criteria provided, single submitter. Criteria: Invitae Variant Classification Sherloc (09022015). Collection method: clinical testing. Allele origin: germline.
Comment: This sequence change replaces cysteine with tyrosine at codon 1038 of the EPG5 protein (p.Cys1038Tyr). The cysteine residue is highly conserved and there is a large physicochemical difference between cysteine and tyrosine. This variant is not present in population databases (ExAC no frequency). This variant has not been reported in the literature in individuals affected with EPG5-related conditions. Algorithms developed to predict the effect of missense changes on protein structure and function are either unavailable or do not agree on the potential impact of this missense change (SIFT: "Deleterious"; PolyPhen-2: "Probably Damaging"; Align-GVGD: "Class C0"). In summary, the available evidence is currently insufficient to determine the role of this variant in disease. Therefore, it has been classified as a Variant of Uncertain Significance.